The following is an entry in ClinVar:

ClinVar aggregate classification (germline): Uncertain significance. Review status: criteria provided, multiple submitters, no conflicts (2 of 4 stars). 4 submissions from 4 submitters: Uncertain significance (4). Last evaluated 2023-05-30.

Conditions:
Nephronophthisis. Also called: Juvenile Nephronophthisis. Identifiers: Orphanet 655, MedGen C0687120, MONDO:0019005, HP:0000090.
Renal-hepatic-pancreatic dysplasia 1 (RHPD1). Identifiers: MedGen C3715199, MONDO:0008833, OMIM 208540.
Nephronophthisis 3 (NPHP3). Also called: Adolescent nephronophthisis. Identifiers: Orphanet 655, MedGen C1858392, MONDO:0011456, OMIM 604387.
NPHP3-related Meckel-like syndrome. Also called: Meckel syndrome type 7; GOLDSTON SYNDROME. Identifiers: Orphanet 3032, MedGen C2673885, MONDO:0009966, OMIM 267010.

Allele frequency attached by ClinVar (database versions not stated): gnomAD exomes below 0.00001; ExAC 0.00001; gnomAD 0.00003; TOPMed 0.00003.
gnomAD v4.1: 8 of 1,613,970 alleles (0.0005%); highest among the groups gnomAD compares: African/African-American, 0.0067%; no homozygotes.

Submissions (4):

GeneDx
Classification: Uncertain significance. Last evaluated: 2023-05-30. Review status: criteria provided, single submitter. Criteria: GeneDx Variant Classification Process June 2021. Collection method: clinical testing. Allele origin: germline. Affected: yes.
Comment: Not observed at significant frequency in large population cohorts (gnomAD); In silico analysis supports that this missense variant does not alter protein structure/function; Has not been previously published as pathogenic or benign to our knowledge

Fulgent Genetics
Classification: Uncertain significance for Renal-hepatic-pancreatic dysplasia 1; NPHP3-related Meckel-like syndrome; Nephronophthisis 3. Last evaluated: 2022-01-06. Review status: criteria provided, single submitter. Criteria: ACMG Guidelines, 2015. Collection method: clinical testing. Allele origin: unknown.

Labcorp Genetics (formerly Invitae), Labcorp
Classification: Uncertain significance for Nephronophthisis. Last evaluated: 2021-07-14. Review status: criteria provided, single submitter. Criteria: Invitae Variant Classification Sherloc (09022015). Collection method: clinical testing. Allele origin: germline.
Comment: This sequence change replaces lysine with glutamine at codon 1301 of the NPHP3 protein (p.Lys1301Gln). The lysine residue is highly conserved and there is a small physicochemical difference between lysine and glutamine. This variant is present in population databases (rs769027723, ExAC 0.01%). This variant has not been reported in the literature in individuals affected with NPHP3-related conditions. ClinVar contains an entry for this variant (Variation ID: 598130). Algorithms developed to predict the effect of missense changes on protein structure and function are either unavailable or do not agree on the potential impact of this missense change (SIFT: "Tolerated"; PolyPhen-2: "Possibly Damaging"; Align-GVGD: "Class C0"). In summary, the available evidence is currently insufficient to determine the role of this variant in disease. Therefore, it has been classified as a Variant of Uncertain Significance.

Eurofins Ntd Llc (ga)
Classification: Uncertain significance. Last evaluated: 2018-07-24. Review status: criteria provided, single submitter. Criteria: EGL ClinVar v180209 classification definitions. Collection method: clinical testing. Allele origin: germline. Observed: 1 variant allele, 1 heterozygote.

NM_153240.5(NPHP3):c.3901A>C (p.Lys1301Gln)

Genes: NPHP3-ACAD11 (NPHP3-ACAD11 readthrough (NMD candidate); minus strand), NPHP3 (nephrocystin 3; minus strand). Cytogenetic location: 3q22.1.
Variant type: single nucleotide variant.
Coding change: c.3901A>C on transcript NM_153240.5 (MANE Select); coding-DNA position 3901, A replaced by C.
Protein change: p.Lys1301Gln; replaces lysine 1301 with glutamine.
Molecular consequence: missense variant. On other transcripts: non-coding transcript variant (1).
Genome position (GRCh38, 1-based): chr3:132,682,002, T>G on the plus strand (A>C on the coding strand, the complement: NPHP3 is on the minus strand). VCF-style: chr3-132682002-T-G. GRCh37 (hg19) VCF-style: chr3-132400846-T-G.
Other names: c.3901A>C (NM_153240.4); short protein forms K1301Q.
Identifiers: ClinVar variation 598130 (VCV000598130.12), dbSNP rs769027723, ClinGen allele CA2621605.